The following is an entry in ClinVar:

NM_001276345.2(TNNT2):c.600+4G>A

Gene: TNNT2 (troponin T2, cardiac type; minus strand). Cytogenetic location: 1q32.1.
Variant type: single nucleotide variant.
Coding change: c.600+4G>A on transcript NM_001276345.2 (MANE Select); 4 bases into the intron after coding-DNA position 600, G replaced by A.
Molecular consequence: intron variant.
Genome position (GRCh38, 1-based): chr1:201,363,292, C>T on the plus strand (G>A on the coding strand, the complement: TNNT2 is on the minus strand). VCF-style: chr1-201363292-C-T. GRCh37 (hg19) VCF-style: chr1-201332420-C-T.
Other names: c.555+4G>A (NM_001001432.3); c.570+4G>A (NM_001001431.3, NM_001001430.3, NM_001276347.2); c.480+4G>A (NM_001276346.2); c.600+4G>A (NM_000364.4).
Identifiers: ClinVar variation 512228 (VCV000512228.3), dbSNP rs372988386, ClinGen allele CA089046.
Genomic context (GRCh38, chr1:201,363,292, plus strand): 5'-TGGACACCTCATTCCTCAGGGCTATACTAGGATCTCCTGGCAACCCCTGCTGCTCCCTAC[C>T]TACCTTCTGGATGTAACCCCCAAAATGCATCATGTTGGACAAAGCCTTCTTCTTCCGGGC-3'

ClinVar aggregate classification (germline): Conflicting classifications of pathogenicity. Review status: criteria provided, conflicting classifications (1 of 4 stars). 3 submissions from 3 submitters: Uncertain significance (2); Likely benign (1). Last evaluated 2026-06-03.

Conditions:
Cardiovascular phenotype. Identifiers: MedGen CN230736.
Cardiomyopathy (CMYO). Also called: Cardiomyopathies. Identifiers: Orphanet 167848, MedGen C0878544, MONDO:0004994, HP:0001638. Inheritance: Various modes of inheritance.

Allele frequency attached by ClinVar (database versions not stated): 1000 Genomes Project 30x 0.00016; gnomAD exomes below 0.00001; gnomAD 0.00001.
gnomAD v4.1: 2 of 1,614,162 alleles (0.00012%); highest among the groups gnomAD compares: Admixed American, 0.0017%; no homozygotes.

Submissions (3):

Ambry Genetics
Classification: Uncertain significance for Cardiovascular phenotype. Last evaluated: 2026-06-03. Review status: criteria provided, single submitter. Criteria: Ambry Variant Classification Scheme 2023. Collection method: clinical testing. Allele origin: germline.
Comment: The c.570+4G>A intronic variant results from a G to A substitution 4 nucleotides after coding exon 10 in the TNNT2 gene. This nucleotide position is not well conserved in available vertebrate species. In silico splice site analysis predicts that this alteration will not have any significant effect on splicing. Based on the available evidence, the clinical significance of this variant remains unclear.

Color Diagnostics, LLC DBA Color Health
Classification: Uncertain significance for Cardiomyopathy. Last evaluated: 2025-06-30. Review status: criteria provided, single submitter. Criteria: ACMG Guidelines, 2015. Collection method: clinical testing. Allele origin: germline.
Comment: This variant causes a G to A nucleotide substitution at the +4 position of intron 11/15 of the TNNT2 gene. To our knowledge, functional studies have not been reported for this variant. This variant has not been reported in individuals affected with TNNT2-related disorders in the literature. This variant has been identified in 1/251492 chromosomes in the general population by the Genome Aggregation Database (gnomAD). The available evidence is insufficient to determine the role of this variant in disease conclusively. Therefore, this variant is classified as a Variant of Uncertain Significance.

GeneDx
Classification: Likely benign. Last evaluated: 2017-09-20. Review status: criteria provided, single submitter. Criteria: GeneDx Variant Classification (06012015). Collection method: clinical testing. Allele origin: germline. Affected: yes.
Comment: This variant is considered likely benign or benign based on one or more of the following criteria: it is a conservative change, it occurs at a poorly conserved position in the protein, it is predicted to be benign by multiple in silico algorithms, and/or has population frequency not consistent with disease.